The following is an entry in ClinVar:

ClinVar aggregate classification (germline): Uncertain significance (1 of 4 stars; one submission).

Conditions:
Mandibulofacial dysostosis-microcephaly syndrome (MFDGA). Also called: Growth and mental retardation, mandibulofacial dysostosis, microcephaly, and cleft palate; Mandibulofacial dysostosis, Guion-Almeida type. Identifiers: Orphanet 79113, MedGen C1864652, MONDO:0012516, OMIM 610536.

gnomAD v4.1: 1 of 1,614,176 alleles (0.000062%); highest among the groups gnomAD compares: Non-Finnish European, 0.000085%; no homozygotes.

Submission:

Juno Genomics, Hangzhou Juno Genomics, Inc
Classification: Uncertain significance for Mandibulofacial dysostosis-microcephaly syndrome. Review status: criteria provided, single submitter. Criteria: ACMG Guidelines, 2015. Collection method: clinical testing. Allele origin: germline.
Comment: Absent from controls (or at extremely low frequency if recessive) in Genome Aggregation Database.;Multiple lines of computational evidence support a deleterious effect on the gene or gene product.

NM_004247.4(EFTUD2):c.1814A>T (p.Asp605Val)

Gene: EFTUD2 (elongation factor Tu GTP binding domain containing 2; minus strand). Cytogenetic location: 17q21.31.
Variant type: single nucleotide variant.
Coding change: c.1814A>T on transcript NM_004247.4 (MANE Select); coding-DNA position 1814, A replaced by T.
Protein change: p.Asp605Val; replaces aspartic acid 605 with valine.
Molecular consequence: missense variant.
Genome position (GRCh38, 1-based): chr17:44,859,951, T>A on the plus strand (A>T on the coding strand, the complement: EFTUD2 is on the minus strand). VCF-style: chr17-44859951-T-A. GRCh37 (hg19) VCF-style: chr17-42937319-T-A.
Other names: c.1709A>T, p.Asp570Val (NM_001142605.2); c.1814A>T, p.Asp605Val (NM_001258353.2); c.1784A>T, p.Asp595Val (NM_001258354.2); short protein forms D570V, D595V, D605V.
Identifiers: ClinVar variation 5005765 (VCV005005765.2).